The following is an entry in ClinVar:

ClinVar aggregate classification (germline): Uncertain significance. Review status: criteria provided, multiple submitters, no conflicts (2 of 4 stars). 5 submissions from 5 submitters: Uncertain significance (5). Last evaluated 2025-04-03.

Conditions:
Inborn genetic diseases. Identifiers: MedGen C0950123, MeSH D030342.
Autosomal dominant nonsyndromic hearing loss 2A. Also called: DFNA2 Nonsyndromic Hearing Loss; Autosomal dominant nonsyndromic deafness 2A; Deafness, autosomal dominant 2A. Identifiers: Orphanet 90635, MedGen C2677637, MONDO:0010817, OMIM 600101.

Allele frequency attached by ClinVar (database versions not stated): gnomAD 0.00001; ExAC 0.00002; TOPMed 0.00002; ESP Exome Variant Server 0.00008.
gnomAD v4.1: 9 of 1,612,236 alleles (0.00056%); highest among the groups gnomAD compares: Admixed American, 0.0033%; no homozygotes.

Submissions (5):

Ambry Genetics
Classification: Uncertain significance for Inborn genetic diseases. Last evaluated: 2025-04-03. Review status: criteria provided, single submitter. Criteria: Ambry Variant Classification Scheme 2023. Collection method: clinical testing. Allele origin: germline.

Blueprint Genetics
Classification: Uncertain significance. Last evaluated: 2024-08-07. Review status: criteria provided, single submitter. Criteria: ACMG Guidelines, 2015. Collection method: clinical testing. Allele origin: germline.

GeneDx
Classification: Uncertain significance. Last evaluated: 2023-04-28. Review status: criteria provided, single submitter. Criteria: GeneDx Variant Classification Process June 2021. Collection method: clinical testing. Allele origin: germline. Affected: yes.
Comment: Not observed at significant frequency in large population cohorts (gnomAD); In silico analysis supports that this missense variant does not alter protein structure/function; Has not been previously published as pathogenic or benign to our knowledge

Genome-Nilou Lab
Classification: Uncertain significance for Autosomal dominant nonsyndromic hearing loss 2A. Last evaluated: 2023-04-11. Review status: criteria provided, single submitter. Criteria: ACMG Guidelines, 2015. Collection method: clinical testing. Allele origin: germline. Affected: no.

Laboratory for Molecular Medicine, Mass General Brigham Personalized Medicine
Classification: Uncertain significance. Last evaluated: 2017-08-10. Review status: criteria provided, single submitter. Criteria: LMM Criteria. Collection method: clinical testing. Allele origin: germline. Observed: 1 variant allele.
Comment: The p.Ala506Val variant in KCNQ4 has not been previously reported in individuals with hearing loss but has been identified in 1/111540 European chromosomes by t he Genome Aggregation Database (gnomAD; dbSNP rs145732892). Computational prediction tools and conservation analyses suggest t hat this variant may not impact the protein, though this information is not pred ictive enough to rule out pathogenicity. In summary, the clinical significance o f the p.Ala506Val variant is uncertain.

NM_004700.4(KCNQ4):c.1517C>T (p.Ala506Val)

Gene: KCNQ4 (potassium voltage-gated channel subfamily Q member 4; plus strand). Cytogenetic location: 1p34.2.
Variant type: single nucleotide variant.
Coding change: c.1517C>T on transcript NM_004700.4 (MANE Select); coding-DNA position 1517, C replaced by T.
Protein change: p.Ala506Val; replaces alanine 506 with valine.
Molecular consequence: missense variant.
Genome position (GRCh38, 1-based): chr1:40,833,017, C>T. VCF-style: chr1-40833017-C-T. GRCh37 (hg19) VCF-style: chr1-41298689-C-T.
Other names: c.1355C>T, p.Ala452Val (NM_172163.3); short protein forms A506V, A452V.
Identifiers: ClinVar variation 504605 (VCV000504605.8), dbSNP rs145732892, ClinGen allele CA794920.